The following is an entry in ClinVar:

ClinVar aggregate classification (germline): Pathogenic (1 of 4 stars; one submission).

Conditions:
Primary ciliary dyskinesia 9. Also called: CILIARY DYSKINESIA, PRIMARY, 9, WITH OR WITHOUT SITUS INVERSUS. Identifiers: Orphanet 244, MedGen C2676235, MONDO:0012906, OMIM 612444.

Submission:

Myriad Genetics, Inc.
Classification: Pathogenic for Primary ciliary dyskinesia 9. Last evaluated: 2026-07-24. Review status: criteria provided, single submitter. Criteria: Myriad Autosomal Dominant, Autosomal Recessive and X-Linked Classification Criteria (2023). Collection method: clinical testing. Allele origin: unknown.
Comment: NM_023036.4(DNAI2):c.1259_1293del35ins1(P420Hfs*18) is a frameshift variant classified as pathogenic in the context of primary ciliary dyskinesia, DNAI2-related. P420Hfs*18 has not been observed in cases with relevant disease. Relevant functional assessments of this variant are not available in the literature. P420Hfs*18 has not been observed in referenced population frequency databases. In summary, NM_023036.4(DNAI2):c.1259_1293del35ins1(P420Hfs*18) is a frameshift variant in a gene where loss of function is a known mechanism of disease and is predicted to disrupt protein function. Please note: this variant was assessed in the context of healthy population screening.

NM_023036.6(DNAI2):c.1259_1293delinsA (p.Pro420fs)

Gene: DNAI2 (dynein axonemal intermediate chain 2; plus strand). Cytogenetic location: 17q25.1.
Variant type: Indel.
Coding change: c.1259_1293delinsA on transcript NM_023036.6 (MANE Select); coding-DNA positions 1259 to 1293, the reference bases replaced by A.
Protein change: p.Pro420fs; shifts the reading frame from proline 420.
Molecular consequence: frameshift variant. On other transcripts: non-coding transcript variant (1).
Genome position (GRCh38, 1-based): chr17:74,309,300-74,309,334, 35 bases replaced. GRCh37 (hg19): chr17:72,305,439-72,305,473.
Other names: c.1259_1293delinsA, p.Pro420fs (NM_001172810.3, NM_001353167.2); short protein forms P420fs.
Identifiers: ClinVar variation 5003709 (VCV005003709.1).
Genomic context (GRCh38, chr17:74,309,300, plus strand): 5'-CTACCTCCCACAGGTACCACATGGCTTACCTCACTGATGCTGCCTGGAGCCCCGTGAGGC[CGACCGTTTTCTTTACCACCAGGATGGACGGAACC>A]CTGGATATCTGGGACTTCATGTTCGAGCAGTGCGATCCCACCCTCAGCTTGAAGGTCACG-3'